The following is an entry in ClinVar:

ClinVar aggregate classification (germline): Likely benign (1 of 4 stars; one submission).

Conditions:
Oroticaciduria. Also called: Orotic aciduria. Identifiers: Orphanet 30, MedGen C0268128, HP:0003218.

Allele frequency attached by ClinVar (database versions not stated): gnomAD exomes 0.00153 and 0.00100; gnomAD 0.00709 and 0.00768; ExAC 0.00065; TOPMed 0.00804; 1000 Genomes Project 0.00859; 1000 Genomes Project 30x 0.00906.
gnomAD v4.1: 1,373 of 453,294 alleles (0.3%); highest among the groups gnomAD compares: African/African-American, 2.4%; 13 homozygotes.

Submission:

Illumina Laboratory Services, Illumina
Classification: Likely benign for Hereditary orotic aciduria. Last evaluated: 2018-01-13. Review status: criteria provided, single submitter. Criteria: ICSL Variant Classification Criteria 13 December 2019. Collection method: clinical testing. Allele origin: germline.
Comment: This variant was observed in the ICSL laboratory as part of a predisposition screen in an ostensibly healthy population. It had not been previously curated by ICSL or reported in the Human Gene Mutation Database (HGMD: prior to June 1st, 2018), and was therefore a candidate for classification through an automated scoring system. Utilizing variant allele frequency, disease prevalence and penetrance estimates, and inheritance mode, an automated score was calculated to assess if this variant is too frequent to cause the disease. Based on the score and internal cut-off values, a variant classified as likely benign is not then subjected to further curation. The score for this variant resulted in a classification of likely benign for this disease.

NM_000373.4(UMPS):c.*1349G>A

Gene: UMPS (uridine monophosphate synthetase; plus strand). Cytogenetic location: 3q21.2.
Variant type: single nucleotide variant.
Coding change: c.*1349G>A on transcript NM_000373.4 (MANE Select); 1349 bases downstream of the stop codon, G replaced by A.
Molecular consequence: 3 prime UTR variant. On other transcripts: non-coding transcript variant (2).
Genome position (GRCh38, 1-based): chr3:124,745,433, G>A. VCF-style: chr3-124745433-G-A. GRCh37 (hg19) VCF-style: chr3-124464280-G-A.
Identifiers: ClinVar variation 342960 (VCV000342960.5), dbSNP rs138112683, ClinGen allele CA2581990.